The following is an entry in ClinVar:

ClinVar aggregate classification (germline): Uncertain significance (1 of 4 stars; one submission).

Allele frequency attached by ClinVar (database versions not stated): gnomAD exomes below 0.00001 and 0.00002; ExAC 0.00001; gnomAD 0.00001; TOPMed 0.00001.
gnomAD v4.1: 33 of 1,613,766 alleles (0.002%); highest among the groups gnomAD compares: Non-Finnish European, 0.0025%; no homozygotes.

Submission:

Labcorp Genetics (formerly Invitae), Labcorp
Classification: Uncertain significance. Last evaluated: 2021-06-24. Review status: criteria provided, single submitter. Criteria: Invitae Variant Classification Sherloc (09022015). Collection method: clinical testing. Allele origin: germline.
Comment: This variant has not been reported in the literature in individuals with DNAH9-related conditions. This variant is present in population databases (rs767921495, ExAC 0.002%). This sequence change replaces arginine with cysteine at codon 1885 of the DNAH9 protein (p.Arg1885Cys). The arginine residue is highly conserved and there is a large physicochemical difference between arginine and cysteine. Algorithms developed to predict the effect of missense changes on protein structure and function are either unavailable or do not agree on the potential impact of this missense change (SIFT: "Deleterious"; PolyPhen-2: "Probably Damaging"; Align-GVGD: "Class C0"). In summary, the available evidence is currently insufficient to determine the role of this variant in disease. Therefore, it has been classified as a Variant of Uncertain Significance.

NM_001372.4(DNAH9):c.5653C>T (p.Arg1885Cys)

Gene: DNAH9 (dynein axonemal heavy chain 9; plus strand). Cytogenetic location: 17p12.
Variant type: single nucleotide variant.
Coding change: c.5653C>T on transcript NM_001372.4 (MANE Select); coding-DNA position 5653, C replaced by T.
Protein change: p.Arg1885Cys; replaces arginine 1885 with cysteine.
Molecular consequence: missense variant.
Genome position (GRCh38, 1-based): chr17:11,719,434, C>T. VCF-style: chr17-11719434-C-T. GRCh37 (hg19) VCF-style: chr17-11622751-C-T.
Other names: short protein forms R1885C.
Identifiers: ClinVar variation 1489983 (VCV001489983.8), dbSNP rs767921495, ClinGen allele CA8396061.